The following is an entry in ClinVar:

ClinVar aggregate classification (germline): Uncertain significance. Review status: criteria provided, multiple submitters, no conflicts (2 of 4 stars). 2 submissions from 2 submitters: Uncertain significance (2). Last evaluated 2025-08-11.

Conditions:
Inborn genetic diseases. Identifiers: MedGen C0950123, MeSH D030342.

Submissions (2):

Ambry Genetics
Classification: Uncertain significance for Inborn genetic diseases. Last evaluated: 2025-08-11. Review status: criteria provided, single submitter. Criteria: Ambry Variant Classification Scheme 2023. Collection method: clinical testing. Allele origin: germline.

GeneDx
Classification: Uncertain significance. Last evaluated: 2018-12-14. Review status: criteria provided, single submitter. Criteria: GeneDx Variant Classification Process June 2021. Collection method: clinical testing. Allele origin: germline. Affected: yes.
Comment: Not observed in large population cohorts (Lek et al., 2016); The majority of missense variants in this gene are considered pathogenic (Stenson et al., 2014); In silico analysis, which includes protein predictors and evolutionary conservation, supports that this variant does not alter protein structure/function; Has not been previously published as pathogenic or benign to our knowledge

NM_001127644.2(GABRA1):c.58A>C (p.Thr20Pro)

Gene: GABRA1 (gamma-aminobutyric acid type A receptor subunit alpha1; plus strand). Cytogenetic location: 5q34.
Variant type: single nucleotide variant.
Coding change: c.58A>C on transcript NM_001127644.2 (MANE Select); coding-DNA position 58, A replaced by C.
Protein change: p.Thr20Pro; replaces threonine 20 with proline.
Molecular consequence: missense variant.
Genome position (GRCh38, 1-based): chr5:161,850,868, A>C. VCF-style: chr5-161850868-A-C. GRCh37 (hg19) VCF-style: chr5-161277874-A-C.
Other names: c.58A>C, p.Thr20Pro (NM_000806.5, NM_001127643.2, NM_001127645.2 and 1 more transcripts); short protein forms T20P.
Identifiers: ClinVar variation 1304440 (VCV001304440.3), dbSNP rs2113294023, ClinGen allele CA362181198.